The following is an entry in ClinVar:

NM_002528.7(NTHL1):c.236G>T (p.Trp79Leu)

Gene: NTHL1 (nth like DNA glycosylase 1; minus strand). Cytogenetic location: 16p13.3.
Variant type: single nucleotide variant.
Coding change: c.236G>T on transcript NM_002528.7 (MANE Select); coding-DNA position 236, G replaced by T.
Protein change: p.Trp79Leu; replaces tryptophan 79 with leucine.
Molecular consequence: missense variant. On other transcripts: intron variant (1).
Genome position (GRCh38, 1-based): chr16:2,046,246, C>A on the plus strand (G>T on the coding strand, the complement: NTHL1 is on the minus strand). VCF-style: chr16-2046246-C-A. GRCh37 (hg19) VCF-style: chr16-2096247-C-A.
Other names: c.236G>T, p.Trp79Leu (NM_001318193.2); c.24+34G>T (NM_001318194.2); short protein forms W79L.
Identifiers: ClinVar variation 1388759 (VCV001388759.6), dbSNP rs2150946361, ClinGen allele CA394297273.

ClinVar aggregate classification (germline): Uncertain significance (1 of 4 stars; one submission).

Submission:

Labcorp Genetics (formerly Invitae), Labcorp
Classification: Uncertain significance. Last evaluated: 2021-04-18. Review status: criteria provided, single submitter. Criteria: Invitae Variant Classification Sherloc (09022015). Collection method: clinical testing. Allele origin: germline.
Comment: In summary, the available evidence is currently insufficient to determine the role of this variant in disease. Therefore, it has been classified as a Variant of Uncertain Significance. Algorithms developed to predict the effect of missense changes on protein structure and function are either unavailable or do not agree on the potential impact of this missense change (SIFT: "Not Available"; PolyPhen-2: "Benign"; Align-GVGD: "Not Available"). This variant has not been reported in the literature in individuals with NTHL1-related conditions. This variant is not present in population databases (ExAC no frequency). This sequence change replaces tryptophan with leucine at codon 87 of the NTHL1 protein (p.Trp87Leu). The tryptophan residue is moderately conserved and there is a small physicochemical difference between tryptophan and leucine.